The following is an entry in ClinVar:

ClinVar aggregate classification (germline): Uncertain significance (1 of 4 stars; one submission).

Conditions:
Aortic valve disease 2 (AOVD2). Identifiers: MedGen C3542024, MONDO:0013902, OMIM 614823.

gnomAD v4.1: 5 of 1,364,170 alleles (0.00037%); highest among the groups gnomAD compares: Non-Finnish European, 0.00047%; no homozygotes.

Submission:

Labcorp Genetics (formerly Invitae), Labcorp
Classification: Uncertain significance for Aortic valve disease 2. Last evaluated: 2025-11-15. Review status: criteria provided, single submitter. Criteria: Invitae Variant Classification Sherloc (09022015). Collection method: clinical testing. Allele origin: germline.
Comment: This sequence change replaces glutamic acid, which is acidic and polar, with glycine, which is neutral and non-polar, at codon 51 of the SMAD6 protein (p.Glu51Gly). This variant is not present in population databases (gnomAD no frequency). This variant has not been reported in the literature in individuals affected with SMAD6-related conditions. An algorithm developed to predict the effect of missense changes on protein structure and function (PolyPhen-2) suggests that this variant is likely to be tolerated. In summary, the available evidence is currently insufficient to determine the role of this variant in disease. Therefore, it has been classified as a Variant of Uncertain Significance.

NM_005585.5(SMAD6):c.152A>G (p.Glu51Gly)

Gene: SMAD6 (SMAD family member 6; plus strand). Cytogenetic location: 15q22.31.
Variant type: single nucleotide variant.
Coding change: c.152A>G on transcript NM_005585.5 (MANE Select); coding-DNA position 152, A replaced by G.
Protein change: p.Glu51Gly; replaces glutamic acid 51 with glycine.
Molecular consequence: missense variant. On other transcripts: non-coding transcript variant (1).
Genome position (GRCh38, 1-based): chr15:66,703,410, A>G. VCF-style: chr15-66703410-A-G. GRCh37 (hg19) VCF-style: chr15-66995748-A-G.
Other names: short protein forms E51G.
Identifiers: ClinVar variation 4739622 (VCV004739622.1).